The following is an entry in ClinVar:

NM_016156.6(MTMR2):c.1187T>C (p.Leu396Pro)

Gene: MTMR2 (myotubularin related protein 2; minus strand). Cytogenetic location: 11q21.
Variant type: single nucleotide variant.
Coding change: c.1187T>C on transcript NM_016156.6 (MANE Select); coding-DNA position 1187, T replaced by C.
Protein change: p.Leu396Pro; replaces leucine 396 with proline.
Molecular consequence: missense variant.
Genome position (GRCh38, 1-based): chr11:95,845,152, A>G on the plus strand (T>C on the coding strand, the complement: MTMR2 is on the minus strand). VCF-style: chr11-95845152-A-G. GRCh37 (hg19) VCF-style: chr11-95578316-A-G.
Other names: c.971T>C, p.Leu324Pro (NM_001243571.2, NM_201278.3, NM_201281.3); short protein forms L324P, L396P.
Identifiers: ClinVar variation 1066304 (VCV001066304.9), dbSNP rs770852495, ClinGen allele CA6240046.
Genomic context (GRCh38, chr11:95,845,152, plus strand): 5'-TGCACTACCACAGACGTCTTCCCTGACTCTACCTTGTCAGCAATCCTAAGAGCCCCTGCA[A>G]GAATAAGCTGGAAAACAGATTTTTTAATACATTGTTTTTAAACAAGGTAAATACTTCCTT-3'
Protein context (NP_057240.3, residues 386-406): THWLEHIKLI[Leu396Pro]AGALRIADKV

ClinVar aggregate classification (germline): Likely pathogenic (1 of 4 stars; one submission).

Conditions:
Charcot-Marie-Tooth disease type 4. Also called: Charcot-Marie-Tooth disease, type IV; Charcot-Marie-Tooth, Type 4. Identifiers: Orphanet 64749, MedGen C4082197, MONDO:0018995.

Allele frequency attached by ClinVar (database versions not stated): TOPMed below 0.00001; ExAC 0.00001; gnomAD exomes 0.00001.
gnomAD v4.1: 3 of 1,613,740 alleles (0.00019%); highest among the groups gnomAD compares: Admixed American, 0.0033%; no homozygotes.

Submission:

Labcorp Genetics (formerly Invitae), Labcorp
Classification: Likely pathogenic for Charcot-Marie-Tooth disease type 4. Last evaluated: 2023-11-27. Review status: criteria provided, single submitter. Criteria: Invitae Variant Classification Sherloc (09022015). Collection method: clinical testing. Allele origin: germline.
Comment: This sequence change replaces leucine, which is neutral and non-polar, with proline, which is neutral and non-polar, at codon 396 of the MTMR2 protein (p.Leu396Pro). This variant is present in population databases (rs770852495, gnomAD 0.006%). This missense change has been observed in individual(s) with hereditary motor and sensory neuropathy (Invitae; external communication). In at least one individual the data is consistent with being in trans (on the opposite chromosome) from a pathogenic variant. ClinVar contains an entry for this variant (Variation ID: 1066304). Advanced modeling of protein sequence and biophysical properties (such as structural, functional, and spatial information, amino acid conservation, physicochemical variation, residue mobility, and thermodynamic stability) performed at Invitae indicates that this missense variant is expected to disrupt MTMR2 protein function with a positive predictive value of 80%. In summary, the currently available evidence indicates that the variant is pathogenic, but additional data are needed to prove that conclusively. Therefore, this variant has been classified as Likely Pathogenic.